The following is an entry in ClinVar:

ClinVar aggregate classification (germline): Uncertain significance. Review status: criteria provided, multiple submitters, no conflicts (2 of 4 stars). 3 submissions from 3 submitters: Uncertain significance (3). Last evaluated 2026-03-25.

Conditions:
PARN-related disorder. Also called: PARN-related condition; PARN-related disorders.
Dyskeratosis congenita, autosomal recessive 6 (DKCB6). Identifiers: MedGen C4225356, MONDO:0014600, OMIM 616353.
Pulmonary fibrosis and/or bone marrow failure, Telomere-related, 4. Also called: PULMONARY FIBROSIS AND/OR BONE MARROW FAILURE SYNDROME, TELOMERE-RELATED, 4. Identifiers: Orphanet 2032, MedGen C4225347, MONDO:0014612, OMIM 616371.

Allele frequency attached by ClinVar (database versions not stated): gnomAD 0.00004 and 0.00007; gnomAD exomes 0.00006 and 0.00010; ESP Exome Variant Server 0.00008; ExAC 0.00009.

Submissions (3):

PreventionGenetics, part of Exact Sciences
Classification: Uncertain significance for PARN-related condition. Last evaluated: 2026-03-25. Review status: criteria provided, single submitter. Criteria: ACMG Guidelines, 2015. Collection method: clinical testing. Allele origin: germline.
Comment: The PARN c.482A>G variant is predicted to result in the amino acid substitution p.Tyr161Cys. This variant has been reported in the heterozygous state in an individual with aplastic anemia (Supplemental Table 4, Molteni et al. 2023. PubMed ID: 37216690). This variant is reported in 0.012% of alleles in individuals of European (Non-Finnish) descent in gnomAD. At this time, the clinical significance of this variant is uncertain due to the absence of conclusive functional and genetic evidence.

Labcorp Genetics (formerly Invitae), Labcorp
Classification: Uncertain significance for Dyskeratosis congenita, autosomal recessive 6; Pulmonary fibrosis and/or bone marrow failure, Telomere-related, 4. Last evaluated: 2025-11-28. Review status: criteria provided, single submitter. Criteria: Invitae Variant Classification Sherloc (09022015). Collection method: clinical testing. Allele origin: germline.
Comment: This sequence change replaces tyrosine, which is neutral and polar, with cysteine, which is neutral and slightly polar, at codon 161 of the PARN protein (p.Tyr161Cys). This variant is present in population databases (rs201990148, gnomAD 0.01%). This missense change has been observed in individual(s) with autosomal dominant PARN-related conditions (PMID: 37216690). ClinVar contains an entry for this variant (Variation ID: 1380799). An algorithm developed to predict the effect of missense changes on protein structure and function (PolyPhen-2) suggests that this variant is likely to be disruptive. In summary, the available evidence is currently insufficient to determine the role of this variant in disease. Therefore, it has been classified as a Variant of Uncertain Significance.

Breakthrough Genomics
Classification: Uncertain significance. Review status: criteria provided, single submitter. Criteria: ACMG Guidelines, 2015. Collection method: not provided. Allele origin: germline. Inheritance: Autosomal recessive inheritance. Affected: yes.

Literature cited by the submitters: PubMed 37216690 (cited by Labcorp Genetics (formerly Invitae), Labcorp).

NM_002582.4(PARN):c.482A>G (p.Tyr161Cys)

Gene: PARN (poly(A)-specific ribonuclease; minus strand). Cytogenetic location: 16p13.12.
Variant type: single nucleotide variant.
Coding change: c.482A>G on transcript NM_002582.4 (MANE Select); coding-DNA position 482, A replaced by G.
Protein change: p.Tyr161Cys; replaces tyrosine 161 with cysteine.
Molecular consequence: missense variant.
Genome position (GRCh38, 1-based): chr16:14,610,716, T>C on the plus strand (A>G on the coding strand, the complement: PARN is on the minus strand). VCF-style: chr16-14610716-T-C. GRCh37 (hg19) VCF-style: chr16-14704573-T-C.
Other names: c.482A>G (NM_002582.3); c.299A>G, p.Tyr100Cys (NM_001134477.3); c.344A>G, p.Tyr115Cys (NM_001242992.2); short protein forms Y100C, Y115C, Y161C.
Identifiers: ClinVar variation 1380799 (VCV001380799.8), dbSNP rs201990148, ClinGen allele CA7912407.
Genomic context (GRCh38, chr16:14,610,716, plus strand): 5'-ATAAACTTCTTTTGATCCTCAGGAATCGTGACAGGACATTTTGAAGTGTTAGGAGATACA[T>C]AGGACAGAGCTCCTGCACCATTCGCCTGTGAACGTTTTTCATCATACTGCTCTCTTAACT-3'
Protein context (NP_002573.1, residues 151-171): SQANGAGALS[Tyr161Cys]VSPNTSKCPV